The following is an entry in ClinVar:

NM_001127208.3(TET2):c.4130T>C (p.Phe1377Ser)

Genes: TET2 (tet methylcytosine dioxygenase 2; plus strand), TET2-AS1 (TET2 antisense RNA 1; minus strand). Cytogenetic location: 4q24.
Variant type: single nucleotide variant.
Coding change: c.4130T>C on transcript NM_001127208.3 (MANE Select); coding-DNA position 4130, T replaced by C.
Protein change: p.Phe1377Ser; replaces phenylalanine 1377 with serine.
Molecular consequence: missense variant.
Genome position (GRCh38, 1-based): chr4:105,269,695, T>C. VCF-style: chr4-105269695-T-C. GRCh37 (hg19) VCF-style: chr4-106190852-T-C.
Other names: short protein forms F1377S.
Identifiers: ClinVar variation 3776410 (VCV003776410.1).

ClinVar aggregate classification (germline): Uncertain significance (1 of 4 stars; one submission).

Submission:

GeneDx
Classification: Uncertain significance. Last evaluated: 2024-09-23. Review status: criteria provided, single submitter. Criteria: GeneDx Variant Classification Process June 2021. Collection method: clinical testing. Allele origin: germline. Affected: yes.
Comment: Not observed at significant frequency in large population cohorts (gnomAD); In silico analysis supports that this missense variant has a deleterious effect on protein structure/function; Has not been previously published as pathogenic or benign to our knowledge